The following is an entry in ClinVar:

ClinVar aggregate classification (germline): Uncertain significance. Review status: reviewed by expert panel (3 of 4 stars). 4 submissions from 4 submitters: Uncertain significance (1). 3 of the submissions do not count toward it. Last evaluated 2021-09-22.

Conditions:
Cardiomyopathy (CMYO). Also called: Cardiomyopathies. Identifiers: Orphanet 167848, MedGen C0878544, MONDO:0004994, HP:0001638. Inheritance: Various modes of inheritance.
Hypertrophic cardiomyopathy. Also called: HYPERTROPHIC MYOCARDIOPATHY. Identifiers: Orphanet 217569, MedGen C0007194, MeSH D002312, MONDO:0005045, HP:0001639.

Submissions (4):

ClinGen Cardiomyopathy Variant Curation Expert Panel
Classification: Uncertain significance for Hypertrophic cardiomyopathy. Last evaluated: 2021-09-22. Review status: reviewed by expert panel. Criteria: ClinGen CMP ACMG Specifications v1. Collection method: curation. Allele origin: germline. Inheritance: Autosomal dominant inheritance.
Comment: The c.2069T>C (p.Met690Thr) variant in MYH7 has been reported in at least 3 individuals with HCM (PS4_Supporting; Coppini 2014 PMID:25524337; Homberger 2016 PMID:27247418; Weissler-Snir 2017 PMID:28193612; Walsh 2017 PMID:27532257; CHEO pers. comm.; LMM pers. comm.; OMGL pers. comm.). This variant was absent from large population studies (PM2;, v2.1.1). This variant lies in the head region of the protein (aa 181-937) and missense variants in this region are statistically more likely to be associated with HCM (PM1; Walsh 2017 PMID:27532257). Computational prediction tools and conservation analysis suggest that this variant may impact the protein (PP3). Based on criteria selected, this variant would be classified as likely pathogenic; however the expert panel deemed the bulk of available evidence as being derived from predictive models. Therefore, in the absence of additional case or segregation data, this variant is classified as uncertain significance for hypertrophic cardiomyopathy in an autosomal dominant manner. ACMG/AMP Criteria applied: PS4_Supporting; PM2; PM1; PP3.

Labcorp Genetics (formerly Invitae), Labcorp
Classification: Pathogenic for Hypertrophic cardiomyopathy. Last evaluated: 2023-11-03. Review status: criteria provided, single submitter. Criteria: Invitae Variant Classification Sherloc (09022015). Collection method: clinical testing. Allele origin: germline. Not counted in ClinVar's aggregate classification.
Comment: This sequence change replaces methionine, which is neutral and non-polar, with threonine, which is neutral and polar, at codon 690 of the MYH7 protein (p.Met690Thr). This variant is not present in population databases (gnomAD no frequency). This missense change has been observed in individuals with hypertrophic cardiomyopathy (PMID: 25524337, 27247418, 27532257). ClinVar contains an entry for this variant (Variation ID: 42876). Advanced modeling of protein sequence and biophysical properties (such as structural, functional, and spatial information, amino acid conservation, physicochemical variation, residue mobility, and thermodynamic stability) performed at Invitae indicates that this missense variant is expected to disrupt MYH7 protein function with a positive predictive value of 95%. This variant is found within a region of MYH7 between codons 181 and 937 that contains the majority of the myosin head domain. Missense variants in this region have been shown to be significantly overrepresented in individuals with hypertrophic cardiomyopathy (PMID: 27532257). For these reasons, this variant has been classified as Pathogenic.

Laboratory for Molecular Medicine, Mass General Brigham Personalized Medicine
Classification: Uncertain significance for Hypertrophic cardiomyopathy. Last evaluated: 2023-02-06. Review status: criteria provided, single submitter. Criteria: ACMG Guidelines, 2015. Collection method: clinical testing. Allele origin: germline. Inheritance: Autosomal dominant inheritance. Not counted in ClinVar's aggregate classification.
Comment: The p.Met690Thr variant in MYH7 has been reported in at least 3 individuals with hypertrophic cardiomyopathy (HCM) and segregated with disease in 1 affected relative from 1 family (Coppini 2014 PMID:25524337; Homburger 2016 PMID:27247418; Walsh 2017 PMID:27532257; Marschall 2019 PMID:31737537, LMM data). It was absent from large population studies. Computational prediction tools and conservation analyses suggest that this variant may impact the protein, though this information is not predictive enough to determine pathogenicity. This variant lies in the head region of the protein and missense variants in this region are statistically more likely to be disease-associated (Walsh 2017 PMID 27532257). Moreover, this variant was classified as Uncertain Significance on September 22, 2021 by the ClinGen-approved Cardiomyopathy expert panel (Variation ID 42876). In summary, while there is some suspicion for a pathogenic role, the clinical significance of this variant is uncertain. ACMG/AMP Criteria applied: PM1, PS4_Supporting, PM2_Supporting, PP3.

CHEO Genetics Diagnostic Laboratory, Children's Hospital of Eastern Ontario
Classification: Uncertain significance for Cardiomyopathy. Last evaluated: 2016-10-17. Review status: criteria provided, single submitter. Criteria: ACMG Guidelines, 2015. Collection method: clinical testing. Allele origin: germline. Study: Canadian Open Genetics Repository. Not counted in ClinVar's aggregate classification.

Literature cited by the submitters: PubMed 25524337 (cited by Labcorp Genetics (formerly Invitae), Labcorp and Laboratory for Molecular Medicine, Mass General Brigham Personalized Medicine); PubMed 27247418 (cited by Labcorp Genetics (formerly Invitae), Labcorp and Laboratory for Molecular Medicine, Mass General Brigham Personalized Medicine); PubMed 27532257 (cited by Labcorp Genetics (formerly Invitae), Labcorp and Laboratory for Molecular Medicine, Mass General Brigham Personalized Medicine); PubMed 31737537 (cited by Laboratory for Molecular Medicine, Mass General Brigham Personalized Medicine).

NM_000257.4(MYH7):c.2069T>C (p.Met690Thr)

Gene: MYH7 (myosin heavy chain 7; minus strand). Cytogenetic location: 14q11.2.
Variant type: single nucleotide variant.
Coding change: c.2069T>C on transcript NM_000257.4 (MANE Select); coding-DNA position 2069, T replaced by C.
Protein change: p.Met690Thr; replaces methionine 690 with threonine.
Molecular consequence: missense variant.
Genome position (GRCh38, 1-based): chr14:23,426,057, A>G on the plus strand (T>C on the coding strand, the complement: MYH7 is on the minus strand). VCF-style: chr14-23426057-A-G. GRCh37 (hg19) VCF-style: chr14-23895266-A-G.
Other names: NM_000257.4(MYH7):c.2069T>C; short protein forms M690T.
Identifiers: ClinVar variation 42876 (VCV000042876.14), dbSNP rs397516128, ClinGen allele CA011635.